The following is an entry in ClinVar:

ClinVar aggregate classification (germline): Likely pathogenic (1 of 4 stars; one submission).

Submission:

Labcorp Genetics (formerly Invitae), Labcorp
Classification: Likely pathogenic. Last evaluated: 2025-06-03. Review status: criteria provided, single submitter. Criteria: Invitae Variant Classification Sherloc (09022015). Collection method: clinical testing. Allele origin: germline.
Comment: This sequence change replaces valine, which is neutral and non-polar, with glycine, which is neutral and non-polar, at codon 256 of the UROD protein (p.Val256Gly). This variant is not present in population databases (gnomAD no frequency). This missense change has been observed in individual(s) with porphyria cutanea tarda (PMID: 17627795; internal data). Invitae Evidence Modeling of protein sequence and biophysical properties (such as structural, functional, and spatial information, amino acid conservation, physicochemical variation, residue mobility, and thermodynamic stability) indicates that this missense variant is expected to disrupt UROD protein function with a positive predictive value of 80%. Experimental studies have shown that this missense change affects UROD function (PMID: 17627795). This variant disrupts the p.Val256 amino acid residue in UROD. Other variant(s) that disrupt this residue have been observed in individuals with UROD-related conditions (PMID: 30514647), which suggests that this may be a clinically significant amino acid residue. In summary, the currently available evidence indicates that the variant is pathogenic, but additional data are needed to prove that conclusively. Therefore, this variant has been classified as Likely Pathogenic.

Literature cited by the submitters: PubMed 17627795; PubMed 30514647.

NM_000374.5(UROD):c.767T>G (p.Val256Gly)

Gene: UROD (uroporphyrinogen decarboxylase; plus strand). Cytogenetic location: 1p34.1.
Variant type: single nucleotide variant.
Coding change: c.767T>G on transcript NM_000374.5 (MANE Select); coding-DNA position 767, T replaced by G.
Protein change: p.Val256Gly; replaces valine 256 with glycine.
Molecular consequence: missense variant. On other transcripts: non-coding transcript variant (3).
Genome position (GRCh38, 1-based): chr1:45,014,569, T>G. VCF-style: chr1-45014569-T-G. GRCh37 (hg19) VCF-style: chr1-45480241-T-G.
Other names: short protein forms V256G.
Identifiers: ClinVar variation 4746815 (VCV004746815.1).